The following is an entry in ClinVar:

NM_001330260.2(SCN8A):c.3945G>A (p.Val1315=)

Gene: SCN8A (sodium voltage-gated channel alpha subunit 8; plus strand). Cytogenetic location: 12q13.13.
Variant type: single nucleotide variant.
Coding change: c.3945G>A on transcript NM_001330260.2 (MANE Select); coding-DNA position 3945, G replaced by A.
Protein change: p.Val1315=; no amino-acid change (valine 1315 retained).
Molecular consequence: synonymous variant.
Genome position (GRCh38, 1-based): chr12:51,786,544, G>A. VCF-style: chr12-51786544-G-A. GRCh37 (hg19) VCF-style: chr12-52180328-G-A.
Other names: c.3822G>A, p.Val1274= (NM_001177984.3, NM_001369788.1); c.3945G>A, p.Val1315= (NM_014191.4).
Identifiers: ClinVar variation 444292 (VCV000444292.46), dbSNP rs1555228304, ClinGen allele CA480061458.

ClinVar aggregate classification (germline): Conflicting classifications of pathogenicity. Review status: criteria provided, conflicting classifications (1 of 4 stars). 2 submissions from 2 submitters: Uncertain significance (1); Likely benign (1). Last evaluated 2026-07-01.

Conditions:
Early-infantile DEE. Also called: Early infantile epileptic encephalopathy; Ohtahara syndrome; Early infantile epileptic encephalopathy with suppression bursts. Identifiers: Orphanet 1934, MedGen C0393706, MONDO:0800491.

Submissions (2):

CeGaT Center for Human Genetics Tuebingen
Classification: Uncertain significance. Last evaluated: 2026-07-01. Review status: criteria provided, single submitter. Criteria: CeGaT Center For Human Genetics Tuebingen Variant Classification Criteria Version 2. Collection method: clinical testing. Allele origin: germline. Affected: yes. Observed: 1 variant allele.
Comment: SCN8A: PM2:Supporting, BP4

Labcorp Genetics (formerly Invitae), Labcorp
Classification: Likely benign for Early-infantile DEE. Last evaluated: 2023-10-24. Review status: criteria provided, single submitter. Criteria: Invitae Variant Classification Sherloc (09022015). Collection method: clinical testing. Allele origin: germline.